The following is an entry in ClinVar:

NM_001854.4(COL11A1):c.4113G>C (p.Glu1371Asp)

Gene: COL11A1 (collagen type XI alpha 1 chain; minus strand). Cytogenetic location: 1p21.1.
Variant type: single nucleotide variant.
Coding change: c.4113G>C on transcript NM_001854.4 (MANE Select); coding-DNA position 4113, G replaced by C.
Protein change: p.Glu1371Asp; replaces glutamic acid 1371 with aspartic acid.
Molecular consequence: missense variant. On other transcripts: non-coding transcript variant (1).
Genome position (GRCh38, 1-based): chr1:102,898,968, C>G on the plus strand (G>C on the coding strand, the complement: COL11A1 is on the minus strand). VCF-style: chr1-102898968-C-G. GRCh37 (hg19) VCF-style: chr1-103364524-C-G.
Other names: DFNA37; c.3996G>C, p.Glu1332Asp (NM_001190709.2); c.4149G>C, p.Glu1383Asp (NM_080629.3); c.3765G>C, p.Glu1255Asp (NM_080630.4); short protein forms E1255D, E1332D, E1371D, E1383D.
Identifiers: ClinVar variation 1204174 (VCV001204174.5), dbSNP rs2100925542, ClinGen allele CA341155753.

ClinVar aggregate classification (germline): Uncertain significance. Review status: criteria provided, multiple submitters, no conflicts (2 of 4 stars). 2 submissions from 2 submitters: Uncertain significance (2). Last evaluated 2024-12-25.

Conditions:
Hearing loss, autosomal dominant 37. Also called: DEAFNESS, AUTOSOMAL DOMINANT 37. Identifiers: MedGen C4760307, MONDO:0032802, OMIM 618533.

gnomAD v4.1: 2 of 1,545,502 alleles (0.00013%); highest among the groups gnomAD compares: Middle Eastern, 0.018%; no homozygotes.

Submissions (2):

Laboratory of Prof. Karen Avraham, Tel Aviv University
Classification: Uncertain significance for Hearing loss, autosomal dominant 37. Last evaluated: 2024-12-25. Review status: criteria provided, single submitter. Criteria: ACMG Guidelines, 2015. Collection method: research. Allele origin: germline. Affected: yes. Observed: 1 variant allele.
Comment: The COL11A1 c.4113G>C:p.(Glu1371Asp) is not found in gnomAD and possibly deleterious.

GeneDx
Classification: Uncertain significance. Last evaluated: 2024-12-16. Review status: criteria provided, single submitter. Criteria: GeneDx Variant Classification Process June 2021. Collection method: clinical testing. Allele origin: germline. Affected: yes.
Comment: Not observed at significant frequency in large population cohorts (gnomAD); In silico analysis supports that this missense variant has a deleterious effect on protein structure/function; Has not been previously published as pathogenic or benign to our knowledge